The following is an entry in ClinVar:

ClinVar aggregate classification (germline): Uncertain significance (1 of 4 stars; one submission).

Allele frequency attached by ClinVar (database versions not stated): ExAC 0.00001.
gnomAD v4.1: 1 of 1,612,292 alleles (0.000062%); highest among the groups gnomAD compares: Non-Finnish European, 0.000085%; no homozygotes.

Submission:

Labcorp Genetics (formerly Invitae), Labcorp
Classification: Uncertain significance. Last evaluated: 2023-06-14. Review status: criteria provided, single submitter. Criteria: Invitae Variant Classification Sherloc (09022015). Collection method: clinical testing. Allele origin: germline.
Comment: This sequence change affects codon 499 of the ITGAM mRNA. It is a 'silent' change, meaning that it does not change the encoded amino acid sequence of the ITGAM protein. This variant also falls at the last nucleotide of exon 13, which is part of the consensus splice site for this exon. This variant is present in population databases (rs747024431, gnomAD 0.0009%). This variant has not been reported in the literature in individuals affected with ITGAM-related conditions. Variants that disrupt the consensus splice site are a relatively common cause of aberrant splicing (PMID: 17576681, 9536098). Algorithms developed to predict the effect of sequence changes on RNA splicing suggest that this variant may create or strengthen a splice site. In summary, the available evidence is currently insufficient to determine the role of this variant in disease. Therefore, it has been classified as a Variant of Uncertain Significance.

Literature cited by the submitters: PubMed 17576681; PubMed 9536098.

NM_000632.4(ITGAM):c.1497G>A (p.Gly499=)

Gene: ITGAM (integrin subunit alpha M; plus strand). Cytogenetic location: 16p11.2.
Variant type: single nucleotide variant.
Coding change: c.1497G>A on transcript NM_000632.4 (MANE Select); coding-DNA position 1497, G replaced by A.
Protein change: p.Gly499=; no amino-acid change (glycine 499 retained).
Molecular consequence: synonymous variant.
Genome position (GRCh38, 1-based): chr16:31,297,654, G>A. VCF-style: chr16-31297654-G-A. GRCh37 (hg19) VCF-style: chr16-31308975-G-A.
Other names: c.1497G>A, p.Gly499= (NM_001145808.2).
Identifiers: ClinVar variation 2836543 (VCV002836543.3), dbSNP rs747024431, ClinGen allele CA8025568.